The following is an entry in ClinVar:

NM_000455.5(STK11):c.122A>C (p.Lys41Thr)

Gene: STK11 (serine/threonine kinase 11; plus strand). Cytogenetic location: 19p13.3.
Variant type: single nucleotide variant.
Coding change: c.122A>C on transcript NM_000455.5 (MANE Select); coding-DNA position 122, A replaced by C.
Protein change: p.Lys41Thr; replaces lysine 41 with threonine.
Molecular consequence: missense variant.
Genome position (GRCh38, 1-based): chr19:1,207,035, A>C. VCF-style: chr19-1207035-A-C. GRCh37 (hg19) VCF-style: chr19-1207034-A-C.
Other names: short protein forms K41T.
Identifiers: ClinVar variation 458024 (VCV000458024.9), dbSNP rs1555734959, ClinGen allele CA402943954.

ClinVar aggregate classification (germline): Uncertain significance. Review status: criteria provided, multiple submitters, no conflicts (2 of 4 stars). 2 submissions from 2 submitters: Uncertain significance (2). Last evaluated 2026-09-09.

Conditions:
Peutz-Jeghers syndrome (PJS). Also called: POLYPOSIS, HAMARTOMATOUS INTESTINAL; POLYPS-AND-SPOTS SYNDROME; Peutz-Jeghers polyposis; Periorificial lentiginosis syndrome. Identifiers: Orphanet 2869, MedGen C0031269, MeSH D010580, MONDO:0008280, OMIM 175200.
Hereditary cancer-predisposing syndrome. Also called: Neoplastic Syndromes, Hereditary; Hereditary neoplastic syndrome; Hereditary Cancer Syndrome; Tumor predisposition. Identifiers: Orphanet 140162, MedGen C0027672, MeSH D009386, MONDO:0015356.

Submissions (2):

Ambry Genetics
Classification: Uncertain significance for Hereditary cancer-predisposing syndrome. Last evaluated: 2026-09-09. Review status: criteria provided, single submitter. Criteria: Ambry Variant Classification Scheme 2023. Collection method: clinical testing. Allele origin: germline.
Comment: The p.K41T variant (also known as c.122A>C), located in coding exon 1 of the STK11 gene, results from an A to C substitution at nucleotide position 122. The lysine at codon 41 is replaced by threonine, an amino acid with similar properties. This amino acid position is highly conserved in available vertebrate species. In addition, the in silico prediction for this alteration is inconclusive. Based on the available evidence, the clinical significance of this variant remains unclear.

Labcorp Genetics (formerly Invitae), Labcorp
Classification: Uncertain significance for Peutz-Jeghers syndrome. Last evaluated: 2017-05-09. Review status: criteria provided, single submitter. Criteria: Invitae Variant Classification Sherloc (09022015). Collection method: clinical testing. Allele origin: germline.
Comment: In summary, this variant is a novel missense change with uncertain impact on protein function. It has been classified as a Variant of Uncertain Significance. Algorithms developed to predict the effect of missense changes on protein structure and function (SIFT, PolyPhen-2, Align-GVGD) all suggest that this variant is likely to be disruptive, but these predictions have not been confirmed by published functional studies. This variant is not present in population databases (ExAC no frequency) and has not been reported in the literature in individuals with an STK11-related disease. This sequence change replaces lysine with threonine at codon 41 of the STK11 protein (p.Lys41Thr). The lysine residue is highly conserved and there is a moderate physicochemical difference between lysine and threonine.